The following is an entry in ClinVar:

NM_014907.3(FRMPD1):c.613-6T>G

Gene: FRMPD1 (FERM and PDZ domain containing 1; plus strand). Cytogenetic location: 9p13.2.
Variant type: single nucleotide variant.
Coding change: c.613-6T>G on transcript NM_014907.3 (MANE Select); 6 bases into the intron before coding-DNA position 613, T replaced by G.
Molecular consequence: intron variant.
Genome position (GRCh38, 1-based): chr9:37,729,722, T>G. VCF-style: chr9-37729722-T-G. GRCh37 (hg19) VCF-style: chr9-37729719-T-G.
Other names: c.613-6T>G (NM_001371224.1, NM_001371225.1, NM_001371223.1).
Identifiers: ClinVar variation 3387890 (VCV003387890.14).

ClinVar aggregate classification (germline): Likely benign (1 of 4 stars; one submission).

gnomAD v4.1: 2,870 of 1,613,688 alleles (0.18%); highest among the groups gnomAD compares: Non-Finnish European, 0.14%; 10 homozygotes.

Submission:

CeGaT Center for Human Genetics Tuebingen
Classification: Likely benign. Last evaluated: 2024-11-01. Review status: criteria provided, single submitter. Criteria: CeGaT Center For Human Genetics Tuebingen Variant Classification Criteria Version 2. Collection method: clinical testing. Allele origin: germline. Affected: yes. Observed: 1 variant allele.
Comment: FRMPD1: BP4, BS2